The following is an entry in ClinVar:

NC_000011.9:g.(?_68560773)_(68564411_?)dup

Gene: CPT1A (carnitine palmitoyltransferase 1A; minus strand). Cytogenetic location: 11q13.3.
Variant type: Duplication.
Identifiers: ClinVar variation 1068131 (VCV001068131.4).

ClinVar aggregate classification (germline): Likely pathogenic (1 of 4 stars; one submission).

Conditions:
Carnitine palmitoyl transferase 1A deficiency. Also called: CPT I DEFICIENCY; CPT DEFICIENCY, HEPATIC, TYPE I; CPT deficiency, hepatic, type IA; Carnitine palmitoyltransferase 1A deficiency; Carnitine palmitoyltransferase type I deficiency. Identifiers: Orphanet 156, MedGen C1829703, MONDO:0009705, OMIM 255120.

Submission:

Labcorp Genetics (formerly Invitae), Labcorp
Classification: Likely pathogenic for Carnitine palmitoyl transferase 1A deficiency. Last evaluated: 2020-03-29. Review status: criteria provided, single submitter. Criteria: Invitae Variant Classification Sherloc (09022015). Collection method: clinical testing. Allele origin: germline.
Comment: This variant results in a copy number gain of the genomic region encompassing exons 7-9 of the CPT1A gene. While the exact position of this variant cannot be determined from this data, sub-genic copy number gains are generally in tandem (PMID: 25640679) and may result in an absent or disrupted protein product. This variant has not been reported in the literature in individuals with CPT1A-related conditions. Loss-of-function variants in CPT1A are known to be pathogenic (PMID: 16169268). In summary, the currently available evidence indicates that the variant is pathogenic, but additional data are needed to prove that conclusively. Therefore, this variant has been classified as Likely Pathogenic.

Literature cited by the submitters: PubMed 25640679; PubMed 16169268.